The following is an entry in ClinVar:

NM_017534.6(MYH2):c.4830G>C (p.Glu1610Asp)

Genes: MYH2 (myosin heavy chain 2; minus strand), MYHAS (myosin heavy chain gene cluster antisense RNA; plus strand), LOC126862500 (BRD4-independent group 4 enhancer GRCh37_chr17:10427829-10429028; plus strand). Cytogenetic location: 17p13.1.
Variant type: single nucleotide variant.
Coding change: c.4830G>C on transcript NM_017534.6 (MANE Select); coding-DNA position 4830, G replaced by C.
Protein change: p.Glu1610Asp; replaces glutamic acid 1610 with aspartic acid.
Molecular consequence: missense variant.
Genome position (GRCh38, 1-based): chr17:10,524,898, C>G on the plus strand (G>C on the coding strand, the complement: MYH2 is on the minus strand). VCF-style: chr17-10524898-C-G. GRCh37 (hg19) VCF-style: chr17-10428215-C-G.
Other names: c.4830G>C, p.Glu1610Asp (NM_001100112.2); short protein forms E1610D.
Identifiers: ClinVar variation 4625438 (VCV004625438.1).

ClinVar aggregate classification (germline): Uncertain significance (1 of 4 stars; one submission).

Conditions:
Inborn genetic diseases. Identifiers: MedGen C0950123, MeSH D030342.

gnomAD v4.1: 3 of 1,614,096 alleles (0.00019%); highest among the groups gnomAD compares: South Asian, 0.0033%; no homozygotes.

Submission:

Ambry Genetics
Classification: Uncertain significance for Inborn genetic diseases. Last evaluated: 2025-11-02. Review status: criteria provided, single submitter. Criteria: Ambry Variant Classification Scheme 2023. Collection method: clinical testing. Allele origin: germline.
Comment: The c.4830G>C (p.E1610D) alteration is located in exon 34 (coding exon 32) of the MYH2 gene. This alteration results from a G to C substitution at nucleotide position 4830, causing the glutamic acid (E) at amino acid position 1610 to be replaced by an aspartic acid (D). Based on data from gnomAD, the C allele has an overall frequency of <0.001% (1/251422) total alleles studied. The highest observed frequency was 0.003% (1/30616) of South Asian alleles. Based on insufficient or conflicting evidence, the clinical significance of this alteration remains unclear.